The following is an entry in ClinVar:

NM_000770.3(CYP2C8):c.508C>T (p.Leu170=)

Gene: CYP2C8 (cytochrome P450 family 2 subfamily C member 8; minus strand). Cytogenetic location: 10q23.33.
Variant type: single nucleotide variant.
Coding change: c.508C>T on transcript NM_000770.3 (MANE Select); coding-DNA position 508, C replaced by T.
Protein change: p.Leu170=; no amino-acid change (leucine 170 retained).
Molecular consequence: synonymous variant.
Genome position (GRCh38, 1-based): chr10:95,064,934, G>A on the plus strand (C>T on the coding strand, the complement: CYP2C8 is on the minus strand). VCF-style: chr10-95064934-G-A. GRCh37 (hg19) VCF-style: chr10-96824691-G-A.
Other names: c.298C>T, p.Leu100= (NM_001198853.1, NM_001198855.1); c.202C>T, p.Leu68= (NM_001198854.1).
Identifiers: ClinVar variation 2640707 (VCV002640707.24), dbSNP rs150790274, ClinGen allele CA5617742.

ClinVar aggregate classification (germline): Likely benign (1 of 4 stars; one submission).

Allele frequency attached by ClinVar (database versions not stated): TOPMed 0.00014; ExAC 0.00015; gnomAD 0.00015; gnomAD exomes 0.00017; ESP Exome Variant Server 0.00023.

Submission:

CeGaT Center for Human Genetics Tuebingen
Classification: Likely benign. Last evaluated: 2022-06-01. Review status: criteria provided, single submitter. Criteria: CeGaT Center For Human Genetics Tuebingen Variant Classification Criteria Version 2. Collection method: clinical testing. Allele origin: germline. Affected: yes. Observed: 1 variant allele.
Comment: CYP2C8: BP4, BP7